The following continues an entry in ClinVar:

NM_000540.3(RYR1):c.11314C>T (p.Arg3772Trp)

Gene: RYR1. ClinVar aggregate classification (germline): Uncertain significance. Uncertain significance (1).

Submissions 7 to 14 of 14:

All of Us Research Program, National Institutes of Health
Classification: Uncertain significance for Malignant hyperthermia, susceptibility to, 1. Last evaluated: 2023-12-18. Review status: criteria provided, single submitter. Criteria: ACMG Guidelines, 2015. Collection method: clinical testing. Allele origin: germline. Inheritance: Autosomal dominant inheritance. Observed: 3 variant alleles, 3 heterozygotes. Not counted in ClinVar's aggregate classification.
Comment: This missense variant replaces arginine with tryptophan at codon 3772 of the RYR1 protein. Computational prediction suggests that this variant may have deleterious impact on protein structure and function (internally defined REVEL score threshold >= 0.7, PMID: 27666373). To our knowledge, functional studies have not been reported for this variant. This variant has been reported in an individual with personal or family history of a malignant hyperthermia event who tested positive in in vitro contracture testing (PMID: 19191329), as well as in a homozygous individual with a malignant hyperthermia reaction who also carried a variant of uncertain significance in the same gene (PMID: 24091937). This variant has also been observed in individuals with other phenotype(s) (ClinVar variation ID: 478159). This variant has been identified in 3/250040 chromosomes in the general population by the Genome Aggregation Database (gnomAD). Due to insufficient evidence, this variant is classified as a Variant of Uncertain Significance for autosomal dominant malignant hyperthermia.

This study involves interpretation of variants in research participants for the purpose of population health screening. Participant phenotype was not available at the time of variant classification. Additional details can be found in publication PMID: 35346344, PMCID: PMC8962531

Revvity Omics, Revvity
Classification: Pathogenic. Last evaluated: 2023-07-06. Review status: criteria provided, single submitter. Criteria: ACMG Guidelines, 2015. Collection method: clinical testing. Allele origin: germline. Not counted in ClinVar's aggregate classification.

MGZ Medical Genetics Center
Classification: Pathogenic for Central core myopathy. Last evaluated: 2021-07-22. Review status: criteria provided, single submitter. Criteria: ACMG Guidelines, 2015. Collection method: clinical testing. Allele origin: germline. Affected: yes. Observed: 1 variant allele. Not counted in ClinVar's aggregate classification.
Comment: ACMG criteria applied: PM3_STR, PS4_MOD, PM5, PM2_SUP, PP3

CeGaT Center for Human Genetics Tuebingen
Classification: Pathogenic. Last evaluated: 2019-11-01. Review status: criteria provided, single submitter. Criteria: CeGaT Center For Human Genetics Tuebingen Variant Classification Criteria Version 2. Collection method: clinical testing. Allele origin: germline. Affected: yes. Observed: 6 variant alleles. Not counted in ClinVar's aggregate classification.

Illumina Laboratory Services, Illumina
Classification: Likely pathogenic for Congenital multicore myopathy with external ophthalmoplegia. Last evaluated: 2019-03-27. Review status: criteria provided, single submitter. Criteria: ICSLVariantClassificationCriteria RUGD 01 April 2020. Collection method: clinical testing. Allele origin: unknown. Not counted in ClinVar's aggregate classification.
Comment: The RYR1 c.11314C>T (p.Arg3772Trp) variant is a missense variant that has been reported in at least two studies and identified in a total of six individuals with minicore myopathy with ophthalmoplegia, including three related individuals in a homozygous state and three in a compound heterozygous state, two of whom were dizygotic twins (Bevilacqua et al. 2011; Shaaban et al. 2013). The p.Arg3772Trp variant is reported at a frequency of 0.000026 in the European (Non-Finnish) population of the Genome Aggregation Database. Another missense variant at the same amino acid position, p.Arg3772Gln, has also been reported in patients in literature (Vladutui et al. 2011). Based on the collective evidence and the application of ACMG codes, the p.Arg3772Trp variant is classified as likely pathogenic for minicore myopathy with ophthalmoplegia.

Human Genome Sequencing Center Clinical Lab, Baylor College of Medicine
Classification: Likely pathogenic for Malignant hyperthermia, susceptibility to, 1. Last evaluated: 2018-05-18. Review status: criteria provided, single submitter. Criteria: ACMG Guidelines, 2015. Collection method: clinical testing. Allele origin: germline. Not counted in ClinVar's aggregate classification.
Comment: The c.11314C>T (p.Arg3772Trp) variant in the RYR1 gene has been reported in a family with malignant hyperthermia (PMID: 19191329). This variant is also reported in homozygous or compound heterozygous state with other variants in the RYR1 gene in unrelated families with congenital myopathy (PMID: 21062345, 21795085), ophthalmoplegia, facial weakness, and malignant hyperthermia (PMID: 24091937), consistent with an autosomal recessive inheritance pattern for these disorders. Moreover, one variants at the same residue (p.Arg3772Gln) has been described in multiple unrelated individuals with malignant hyperthermia, ptosis, facial weakness, and nonspecific myopathy (PMID: 17483490, 19645060, 21911697, 23553787), suggesting that the p.Arg3772 residue is critical for normal functioning of the RYR1 protein. Multiple lines of prediction algorithms support the deleterious effect of the p.Arg3772Trp variant. In light of the currently available data this variant in the RYR1 gene is classified as likely pathogenic.

Clinical Genetics and Genomics, Karolinska University Hospital
Classification: Likely pathogenic. Last evaluated: 2016-10-31. Review status: criteria provided, single submitter. Criteria: ACMG Guidelines, 2015. Collection method: clinical testing. Allele origin: germline. Affected: yes. Observed: 2 variant alleles. Not counted in ClinVar's aggregate classification.

PreventionGenetics, part of Exact Sciences
Classification: Likely pathogenic. Last evaluated: 2015-07-21. Review status: criteria provided, single submitter. Criteria: ACMG Guidelines, 2015. Collection method: clinical testing. Allele origin: germline. Not counted in ClinVar's aggregate classification.

Literature cited by the submitters: PubMed 21062345 (cited by 4 submitters); PubMed 24091937 (cited by 5 submitters); PubMed 30611313 (cited by 3 submitters); PubMed 19191329 (cited by 4 submitters); PubMed 21795085 (cited by 3 submitters); PubMed 17483490 (cited by Labcorp Genetics (formerly Invitae), Labcorp and 3billion); PubMed 19645060 (cited by Labcorp Genetics (formerly Invitae), Labcorp); PubMed 23919265 (cited by Mayo Clinic Laboratories, Mayo Clinic); PubMed 31447099 (cited by Mayo Clinic Laboratories, Mayo Clinic); PubMed 31589614 (cited by Mayo Clinic Laboratories, Mayo Clinic); PubMed 33726816 (cited by Mayo Clinic Laboratories, Mayo Clinic); PubMed 36697461 (cited by Mayo Clinic Laboratories, Mayo Clinic); PubMed 37996280 (cited by Mayo Clinic Laboratories, Mayo Clinic); PubMed 38162159 (cited by Mayo Clinic Laboratories, Mayo Clinic); PubMed 38544359 (cited by Mayo Clinic Laboratories, Mayo Clinic); PubMed 39033378 (cited by Broad Center for Mendelian Genomics, Broad Institute of MIT and Harvard).